The following is an entry in ClinVar:

NM_139276.3(STAT3):c.2137G>C (p.Val713Leu)

Gene: STAT3 (signal transducer and activator of transcription 3; minus strand). Cytogenetic location: 17q21.2.
Variant type: single nucleotide variant.
Coding change: c.2137G>C on transcript NM_139276.3 (MANE Select); coding-DNA position 2137, G replaced by C.
Protein change: p.Val713Leu; replaces valine 713 with leucine.
Molecular consequence: missense variant. On other transcripts: intron variant (1).
Genome position (GRCh38, 1-based): chr17:42,317,189, C>G on the plus strand (G>C on the coding strand, the complement: STAT3 is on the minus strand). VCF-style: chr17-42317189-C-G. GRCh37 (hg19) VCF-style: chr17-40469207-C-G.
Other names: c.2137G>C, p.Val713Leu (NM_001369512.1, NM_001369513.1, NM_001369517.1 and 3 more transcripts); c.2134G>C, p.Val712Leu (NM_001369514.1, NM_001369516.1, NM_001369519.1 and 2 more transcripts); c.2053G>C, p.Val685Leu (NM_001384984.1); c.2059G>C, p.Val687Leu (NM_001384985.1); c.2149G>C, p.Val717Leu (NM_001384986.1); c.2116G>C, p.Val706Leu (NM_001384987.1); c.2038G>C, p.Val680Leu (NM_001384989.1); c.2152G>C, p.Val718Leu (NM_001384990.1); and 3 more; short protein forms V680L, V685L, V687L, V693L, V704L, V706L, V712L, V713L.
Identifiers: ClinVar variation 3759433 (VCV003759433.2).

ClinVar aggregate classification (germline): Pathogenic (1 of 4 stars; one submission).

Conditions:
Hyper-IgE recurrent infection syndrome 1, autosomal dominant. Also called: STAT3 Hyper IgE Syndrome; Hyper-IgE recurrent infection syndrome 1; JOB SYNDROME; Job's Syndrome; HYPER-IgE SYNDROME 1, AUTOSOMAL DOMINANT, WITH RECURRENT INFECTIONS. Identifiers: Orphanet 2314, MedGen C2936739, MONDO:0007818, OMIM 147060.
STAT3 gain of function. Identifiers: MedGen C4288261.

Submission:

Labcorp Genetics (formerly Invitae), Labcorp
Classification: Pathogenic for STAT3 gain of function; Hyper-IgE recurrent infection syndrome 1, autosomal dominant. Last evaluated: 2024-02-08. Review status: criteria provided, single submitter. Criteria: Invitae Variant Classification Sherloc (09022015). Collection method: clinical testing. Allele origin: germline.
Comment: This sequence change replaces valine, which is neutral and non-polar, with leucine, which is neutral and non-polar, at codon 713 of the STAT3 protein (p.Val713Leu). This variant is not present in population databases (gnomAD no frequency). This missense change has been observed in individual(s) with Hyper IgE syndrome (PMID: 18602572, 25962528; Invitae). In at least one individual the variant was observed to be de novo. Advanced modeling of protein sequence and biophysical properties (such as structural, functional, and spatial information, amino acid conservation, physicochemical variation, residue mobility, and thermodynamic stability) performed at Invitae indicates that this missense variant is expected to disrupt STAT3 protein function with a positive predictive value of 80%. For these reasons, this variant has been classified as Pathogenic.

Literature cited by the submitters: PubMed 18602572; PubMed 25962528.